The following is an entry in ClinVar:

ClinVar aggregate classification (germline): Pathogenic/Likely pathogenic. Review status: criteria provided, multiple submitters, no conflicts (2 of 4 stars). 7 submissions from 7 submitters: Pathogenic (5); Likely pathogenic (1). 1 of the submissions does not count toward it. Last evaluated 2025-03-13.

Conditions:
Inborn genetic diseases. Identifiers: MedGen C0950123, MeSH D030342.
Sjögren-Larsson syndrome (SLS). Also called: FALDH DEFICIENCY; FATTY ALCOHOL:NAD+ OXIDOREDUCTASE DEFICIENCY; FATTY ALDEHYDE DEHYDROGENASE DEFICIENCY; ICHTHYOSIS, SPASTIC NEUROLOGIC DISORDER, AND OLIGOPHRENIA. Identifiers: Orphanet 816, MedGen C0037231, MONDO:0010031, OMIM 270200.
Cerebral palsy. Identifiers: MedGen C0007789, MONDO:0006497, HP:0100021.

Submissions (7):

Ambry Genetics
Classification: Pathogenic for Inborn genetic diseases. Last evaluated: 2025-03-13. Review status: criteria provided, single submitter. Criteria: Ambry Variant Classification Scheme 2023. Collection method: clinical testing. Allele origin: germline.
Comment: The c.941_943delCCCinsGGGCTAAAAGTACTGTTGGGG (p.A314_P315delinsGAKSTVGA) alteration, located in exon 7 (coding exon 7) of the ALDH3A2 gene, consists of an in-frame deletion of 3 and insertion of 21 nucleotides from position 941 to 943, resulting in the deletion of 2 residues and insertion of 8 residues. The impacted region is critical for protein function (Ambry internal data). This variant was flagged as a low confidence call in the Genome Aggregation Database (gnomAD). This variant has been identified in the homozygous state and/or in conjunction with other ALDH3A2 variant(s) in individual(s) with features consistent with Sjogren-Larsson syndrome (Carney, 2004; Tanteles, 2015; Sill&eacute;n, 1998; van Eyk, 2021; De Laurenzi, 1996). The deleted amino acid positions are highly conserved in available vertebrate species. This alteration is predicted to be deleterious by in silico analysis (Choi, 2012). Based on the available evidence, this alteration is classified as pathogenic.

Victorian Clinical Genetics Services, Murdoch Childrens Research Institute
Classification: Pathogenic for Sjögren-Larsson syndrome. Last evaluated: 2024-10-08. Review status: criteria provided, single submitter. Criteria: ACMG Guidelines, 2015. Collection method: clinical testing. Allele origin: germline. Inheritance: Autosomal recessive inheritance. Affected: yes.
Comment: Based on the classification scheme VCGS_Germline_v1.3.4, this variant is classified as Pathogenic. Following criteria are met: 0102 - Loss of function is a known mechanism of disease in this gene and is associated with Sjogren-Larsson syndrome (MIM#270200). (I) 0106 - This gene is associated with autosomal recessive disease. (I) 0213 - In-frame insertion/deletion in a non-repetitive region that has high conservation. (SP) 0252 - This variant is homozygous. (I) 0301 - Variant is absent from gnomAD (both v2 and v3). However, as this is a complex variant it may be misannotated in gnomAD. There are several variants gnomAD v3 which, if combined, may be this variant (2 heterozygotes, 0 homozygotes). (SP) 0600 - Variant is located in the annotated aldehyde dehydrogenase family domain (DECIPHER). (I) 0704 - A missense variant involving one of the residues affected by the variant identified in this case has limited previous evidence for pathogenicity. p.(Pro315Ser) has been reported as pathogenic by multiple clinical laboratories in ClinVar. (SP) 0801 - This variant has strong previous evidence of pathogenic in unrelated individuals. This variant has been classified as pathogenic by a clinical laboratory in ClinVar, and has been observed in four individuals with Sjogren-Larsson syndrome in the literature (PMIDs: 8528251, 34531397, 9250352, 9829906). (SP) 1002 - This variant has moderate functional evidence supporting abnormal protein function. An individual homozygous for this variant was shown to have 8% of mean ALDH3A2 activity and their heterozygous parents had 39% and 47% of mean activity (PMID: 8528251). (I) Legend: (SP) - Supporting pathogenic, (I) - Information, (SB) - Supporting benign

Natera, Inc.
Classification: Likely pathogenic for Sjögren-Larsson syndrome. Last evaluated: 2024-05-24. Review status: criteria provided, single submitter. Criteria: Natera Variant Classification Schema (03/2026). Collection method: clinical testing. Allele origin: germline.
Comment: The c.941_943delCCCinsGGGCTAAAAGTACTGTTGGGG variant in ALDH3A2 is a deletion-insertion (delins) variant predicted to replace one or more nucleotides with a different sequence. This variant is rare in the general population with a frequency below the threshold expected for the associated phenotype(s). This variant has been observed in one or more individuals affected with the associated recessive disease, as either homozygous or compound heterozygous with a second variant (PMID: 8528251, 10577908). Functional studies show that this variant may disrupt protein function (PMID: 8528251). This variant results in a change to the protein length while preserving reading frame, which may disrupt normal protein structure or function. Computational prediction algorithms indicate this variant is likely to affect gene or protein function. Given the available evidence, this variant is classified as Likely Pathogenic.

Fulgent Genetics
Classification: Pathogenic for Sjögren-Larsson syndrome. Last evaluated: 2024-03-13. Review status: criteria provided, single submitter. Criteria: ACMG Guidelines, 2015. Collection method: clinical testing. Allele origin: germline.

Women's Health and Genetics/Laboratory Corporation of America, LabCorp
Classification: Pathogenic for Sjögren-Larsson syndrome. Last evaluated: 2022-12-28. Review status: criteria provided, single submitter. Criteria: LabCorp Variant Classification Summary - May 2015. Collection method: clinical testing. Allele origin: germline.
Comment: Variant summary: ALDH3A2 c.941_943delinsGGGCTAAAAGTACTGTTGGGG (p.Ala314_Pro315delinsGlyAlaLysSerThrValGlyAla) results in an in-frame deletion/insertion that is predicted to delete 2 amino acids and insert 8 amino acids into the encoded protein. 4/4 computational tools predict no significant impact on normal splicing. However, these predictions have yet to be confirmed by functional studies. The frequency of this variant in the general population could not be determined as the technology used for large population databases (ExAC, gnomAD, ESP, 1000G) cannot detect variants of this type. c.941_943delinsGGGCTAAAAGTACTGTTGGGG has been reported in the literature in individuals affected with Sjogren-Larsson Syndrome or related disorders. These data indicate that the variant may be associated with disease. At least two publications report that FALDH activity in patients carrying this variant is <10% of normal activity. One clinical diagnostic laboratory has submitted clinical-significance assessments for this variant to ClinVar after 2014 without evidence for independent evaluation and classified the variant as pathogenic. Based on the evidence outlined above, the variant was classified as pathogenic.

Neurogenetics Research Program, University of Adelaide
Classification: Pathogenic for Cerebral palsy. Last evaluated: 2021-06-10. Review status: criteria provided, single submitter. Criteria: ACMG Guidelines, 2015. Collection method: research. Allele origin: inherited. Inheritance: Autosomal recessive inheritance. Affected: yes. Observed: 1 homozygote.

OMIM
Classification: Pathogenic for SJOGREN-LARSSON SYNDROME. Last evaluated: 1997-05-01. Review status: no assertion criteria provided. Collection method: literature only. Allele origin: germline. Not counted in ClinVar's aggregate classification.

Literature cited by the submitters: PubMed 8528251 (cited by 5 submitters); PubMed 9829906 (cited by 3 submitters); PubMed 15241804 (cited by Ambry Genetics); PubMed 26394537 (cited by Ambry Genetics); PubMed 34531397 (cited by 3 submitters); PubMed 9250352 (cited by 3 submitters); PubMed 10577908 (cited by Natera, Inc.).

NM_000382.3(ALDH3A2):c.941_943delinsGGGCTAAAAGTACTGTTGGGG (p.Ala314_Pro315delinsGlyAlaLysSerThrValGlyAla)

Gene: ALDH3A2 (aldehyde dehydrogenase 3 family member A2; plus strand). Cytogenetic location: 17p11.2.
Variant type: Indel.
Coding change: c.941_943delinsGGGCTAAAAGTACTGTTGGGG on transcript NM_000382.3 (MANE Select); coding-DNA positions 941 to 943, CCC replaced by GGGCTAAAAGTACTGTTGGGG.
Protein change: p.Ala314_Pro315delinsGlyAlaLysSerThrValGlyAla.
Molecular consequence: inframe indel.
Genome position (GRCh38, 1-based): chr17:19,663,333-19,663,335, CCC replaced by GGGCTAAAAGTACTGTTGGGG. VCF-style: chr17-19663333-CCC-GGGCTAAAAGTACTGTTGGGG. GRCh37 (hg19) VCF-style: chr17-19566646-CCC-GGGCTAAAAGTACTGTTGGGG.
Other names: c.941_943delinsGGGCTAAAAGTACTGTTGGGG (NM_000382.2); c.941_943delinsGGGCTAAAAGTACTGTTGGGG, p.Ala314_Pro315delinsGlyAlaLysSerThrValGlyAla (NM_001031806.2, NM_001369136.1, NM_001369137.2 and 3 more transcripts); c.362_364delinsGGGCTAAAAGTACTGTTGGGG, p.Ala121_Pro122delinsGlyAlaLysSerThrValGlyAla (NM_001369148.2).
Identifiers: ClinVar variation 1638 (VCV000001638.8), dbSNP rs730880264, ClinGen allele CA115113.